The following is an entry in ClinVar:

ClinVar aggregate classification (germline): Uncertain significance. Review status: criteria provided, multiple submitters, no conflicts (2 of 4 stars). 2 submissions from 2 submitters: Uncertain significance (2). Last evaluated 2026-06-10.

Conditions:
Hereditary cancer-predisposing syndrome. Also called: Tumor predisposition; Neoplastic Syndromes, Hereditary; Hereditary neoplastic syndrome; Hereditary Cancer Syndrome. Identifiers: Orphanet 140162, MedGen C0027672, MeSH D009386, MONDO:0015356.

Allele frequency attached by ClinVar (database versions not stated): gnomAD exomes 0.00001.
gnomAD v4.1: 3 of 1,613,986 alleles (0.00019%); highest among the groups gnomAD compares: Non-Finnish European, 0.00025%; no homozygotes.

Submissions (2):

Ambry Genetics
Classification: Uncertain significance for Hereditary cancer-predisposing syndrome. Last evaluated: 2026-06-10. Review status: criteria provided, single submitter. Criteria: Ambry Variant Classification Scheme 2023. Collection method: clinical testing. Allele origin: germline.
Comment: The p.A294T variant (also known as c.880G>A), located in coding exon 6 of the FH gene, results from a G to A substitution at nucleotide position 880. The alanine at codon 294 is replaced by threonine, an amino acid with similar properties. This amino acid position is highly conserved in available vertebrate species. In addition, this alteration is predicted to be deleterious by in silico analysis. Based on the available evidence, the clinical significance of this variant remains unclear.

Labcorp Genetics (formerly Invitae), Labcorp
Classification: Uncertain significance. Last evaluated: 2025-12-16. Review status: criteria provided, single submitter. Criteria: Invitae Variant Classification Sherloc (09022015). Collection method: clinical testing. Allele origin: germline.
Comment: This sequence change replaces alanine, which is neutral and non-polar, with threonine, which is neutral and polar, at codon 294 of the FH protein (p.Ala294Thr). This variant is not present in population databases (gnomAD no frequency). This variant has not been reported in the literature in individuals affected with FH-related conditions. ClinVar contains an entry for this variant (Variation ID: 861320). Invitae Evidence Modeling of protein sequence and biophysical properties (such as structural, functional, and spatial information, amino acid conservation, physicochemical variation, residue mobility, and thermodynamic stability) indicates that this missense variant is expected to disrupt FH protein function with a positive predictive value of 80%. In summary, the available evidence is currently insufficient to determine the role of this variant in disease. Therefore, it has been classified as a Variant of Uncertain Significance.

NM_000143.4(FH):c.880G>A (p.Ala294Thr)

Gene: FH (fumarate hydratase; minus strand). Cytogenetic location: 1q43.
Variant type: single nucleotide variant.
Coding change: c.880G>A on transcript NM_000143.4 (MANE Select); coding-DNA position 880, G replaced by A.
Protein change: p.Ala294Thr; replaces alanine 294 with threonine.
Molecular consequence: missense variant.
Genome position (GRCh38, 1-based): chr1:241,506,027, C>T on the plus strand (G>A on the coding strand, the complement: FH is on the minus strand). VCF-style: chr1-241506027-C-T. GRCh37 (hg19) VCF-style: chr1-241669327-C-T.
Other names: short protein forms A294T.
Identifiers: ClinVar variation 861320 (VCV000861320.13), dbSNP rs1659920259, ClinGen allele CA345438834.